The following is an entry in ClinVar:

ClinVar aggregate classification (germline): Uncertain significance (1 of 4 stars; one submission).

Submission:

Women's Health and Genetics/Laboratory Corporation of America, LabCorp
Classification: Uncertain significance. Last evaluated: 2021-02-10. Review status: criteria provided, single submitter. Criteria: LabCorp Variant Classification Summary - May 2015. Collection method: clinical testing. Allele origin: germline.
Comment: Variant summary: APC c.2870A>C (p.Lys957Thr) results in a non-conservative amino acid change in the encoded protein sequence. Three of five in-silico tools predict a damaging effect of the variant on protein function. The variant was absent in 250958 control chromosomes (gnomAD). The available data on variant occurrences in the general population are insufficient to allow any conclusion about variant significance. To our knowledge, no occurrence of c.2870A>C in individuals affected with Familial Adenomatous Polyposis and no experimental evidence demonstrating its impact on protein function have been reported. No clinical diagnostic laboratories have submitted clinical-significance assessments for this variant to ClinVar after 2014. Based on the evidence outlined above, the variant was classified as uncertain significance.

NM_000038.6(APC):c.2870A>C (p.Lys957Thr)

Gene: APC (APC regulator of WNT signaling pathway; plus strand). Cytogenetic location: 5q22.2.
Variant type: single nucleotide variant.
Coding change: c.2870A>C on transcript NM_000038.6 (MANE Select); coding-DNA position 2870, A replaced by C.
Protein change: p.Lys957Thr; replaces lysine 957 with threonine.
Molecular consequence: missense variant.
Genome position (GRCh38, 1-based): chr5:112,838,464, A>C. VCF-style: chr5-112838464-A-C. GRCh37 (hg19) VCF-style: chr5-112174161-A-C.
Other names: c.2870A>C, p.Lys957Thr (NM_001127510.3, NM_001354895.2); c.2816A>C, p.Lys939Thr (NM_001127511.3); c.2924A>C, p.Lys975Thr (NM_001354896.2); c.2900A>C, p.Lys967Thr (NM_001354897.2); c.2795A>C, p.Lys932Thr (NM_001354898.2); c.2786A>C, p.Lys929Thr (NM_001354899.2); c.2747A>C, p.Lys916Thr (NM_001354900.2); c.2693A>C, p.Lys898Thr (NM_001354901.2); and 5 more; short protein forms K674T, K797T, K831T, K856T, K866T, K898T, K916T, K929T.
Identifiers: ClinVar variation 997912 (VCV000997912.1), dbSNP rs777881096, ClinGen allele CA16027592.